The following is an entry in ClinVar:

ClinVar aggregate classification (germline): Uncertain significance (1 of 4 stars; one submission).

gnomAD v4.1: 1 of 1,614,136 alleles (0.000062%); highest among the groups gnomAD compares: Non-Finnish European, 0.000085%; no homozygotes.

Submission:

GeneDx
Classification: Uncertain significance. Last evaluated: 2026-03-03. Review status: criteria provided, single submitter. Criteria: GeneDx Variant Classification Process June 2021. Collection method: clinical testing. Allele origin: germline.
Comment: Not observed at significant frequency in large population cohorts (gnomAD); In silico analysis suggests that this missense variant does not alter protein structure/function; Has not been previously published as pathogenic or benign to our knowledge

NM_001386135.1(AFF3):c.2473A>G (p.Asn825Asp)

Gene: AFF3 (ALF transcription elongation factor 3; minus strand). Cytogenetic location: 2q11.2.
Variant type: single nucleotide variant.
Coding change: c.2473A>G on transcript NM_001386135.1 (MANE Select); coding-DNA position 2473, A replaced by G.
Protein change: p.Asn825Asp; replaces asparagine 825 with aspartic acid.
Molecular consequence: missense variant.
Genome position (GRCh38, 1-based): chr2:99,587,272, T>C on the plus strand (A>G on the coding strand, the complement: AFF3 is on the minus strand). VCF-style: chr2-99587272-T-C. GRCh37 (hg19) VCF-style: chr2-100203734-T-C.
Other names: c.2548A>G, p.Asn850Asp (NM_001025108.2); c.2473A>G, p.Asn825Asp (NM_002285.3); short protein forms N825D, N850D.
Identifiers: ClinVar variation 5008433 (VCV005008433.1).